The following is an entry in ClinVar:

ClinVar aggregate classification (germline): Uncertain significance (1 of 4 stars; one submission).

Submission:

Greenwood Genetic Center Diagnostic Laboratories, Greenwood Genetic Center
Classification: Uncertain significance. Last evaluated: 2024-12-20. Review status: criteria provided, single submitter. Criteria: ACMG Guidelines, 2015. Collection method: clinical testing. Allele origin: germline. Affected: yes.
Comment: PM2, BP4

NM_000377.3(WAS):c.463+35C>G

Gene: WAS (WASP actin nucleation promoting factor; plus strand). Cytogenetic location: Xp11.23.
Variant type: single nucleotide variant.
Coding change: c.463+35C>G on transcript NM_000377.3 (MANE Select); 35 bases into the intron after coding-DNA position 463, C replaced by G.
Molecular consequence: intron variant.
Genome position (GRCh38, 1-based): chrX:48,685,871, C>G. VCF-style: chrX-48685871-C-G. GRCh37 (hg19) VCF-style: chrX-48544260-C-G.
Identifiers: ClinVar variation 3765840 (VCV003765840.1).